The following is an entry in ClinVar:

ClinVar aggregate classification (germline): Uncertain significance. Review status: criteria provided, multiple submitters, no conflicts (2 of 4 stars). 2 submissions from 2 submitters: Uncertain significance (2). Last evaluated 2025-05-23.

Conditions:
Polycystic kidney disease, adult type (PKD1). Also called: POLYCYSTIC KIDNEY DISEASE 1 WITH OR WITHOUT POLYCYSTIC LIVER DISEASE; POLYCYSTIC KIDNEY DISEASE, ADULT, TYPE I; Polycystic Kidney Disease 1, Autosomal Dominant; Polycystic kidney disease 1; Polycystic kidney disease 1, severe; Polycystic Kidney, Autosomal Dominant. Identifiers: MedGen C3149841, MONDO:0008263, OMIM 173900.

Allele frequency attached by ClinVar (database versions not stated): gnomAD exomes 0.00001 and 0.00002; TOPMed 0.00001; gnomAD 0.00002.
gnomAD v4.1: 11 of 1,609,960 alleles (0.00068%); highest among the groups gnomAD compares: Admixed American, 0.012%; no homozygotes.

Submissions (2):

GeneDx
Classification: Uncertain significance. Last evaluated: 2025-05-23. Review status: criteria provided, single submitter. Criteria: GeneDx Variant Classification Process June 2021. Collection method: clinical testing. Allele origin: germline. Affected: yes.
Comment: In silico analysis supports that this missense variant has a deleterious effect on protein structure/function; Has not been previously published as pathogenic or benign to our knowledge

Baylor Genetics
Classification: Uncertain significance for Polycystic kidney disease, adult type. Last evaluated: 2019-07-16. Review status: criteria provided, single submitter. Criteria: ACMG Guidelines, 2015. Collection method: clinical testing. Allele origin: unknown. Affected: yes.
Comment: This variant was determined to be of uncertain significance according to ACMG Guidelines, 2015 [PMID:25741868].

NM_001009944.3(PKD1):c.4513G>A (p.Gly1505Ser)

Gene: PKD1 (polycystin 1, transient receptor potential channel interacting; minus strand). Cytogenetic location: 16p13.3.
Variant type: single nucleotide variant.
Coding change: c.4513G>A on transcript NM_001009944.3 (MANE Select); coding-DNA position 4513, G replaced by A.
Protein change: p.Gly1505Ser; replaces glycine 1505 with serine.
Molecular consequence: missense variant.
Genome position (GRCh38, 1-based): chr16:2,110,654, C>T on the plus strand (G>A on the coding strand, the complement: PKD1 is on the minus strand). VCF-style: chr16-2110654-C-T. GRCh37 (hg19) VCF-style: chr16-2160655-C-T.
Other names: c.4513G>A, p.Gly1505Ser (NM_000296.4); short protein forms G1505S.
Identifiers: ClinVar variation 1030952 (VCV001030952.2), dbSNP rs1169417989, ClinGen allele CA394379809.